The following is an entry in ClinVar:

NM_006080.3(SEMA3A):c.438T>G (p.Ile146Met)

Gene: SEMA3A (semaphorin 3A; minus strand). Cytogenetic location: 7q21.11.
Variant type: single nucleotide variant.
Coding change: c.438T>G on transcript NM_006080.3 (MANE Select); coding-DNA position 438, T replaced by G.
Protein change: p.Ile146Met; replaces isoleucine 146 with methionine.
Molecular consequence: missense variant.
Genome position (GRCh38, 1-based): chr7:84,110,485, A>C on the plus strand (T>G on the coding strand, the complement: SEMA3A is on the minus strand). VCF-style: chr7-84110485-A-C. GRCh37 (hg19) VCF-style: chr7-83739801-A-C.
Other names: short protein forms I146M.
Identifiers: ClinVar variation 3355121 (VCV003355121.1).
Genomic context (GRCh38, chr7:84,110,485, plus strand): 5'-GAAAGGGGTCATGGACAAATATAATTTTTAAAAAGCCAGCGTTACCTCAGGATGATGTCC[A>C]ATTTCAATGTAGGTGCAAATTGGATGAAAAGCCCCCGTTCCACAGGCGTACAAGTGAGTC-3'
Protein context (NP_006071.1, residues 136-156): AFHPICTYIE[Ile146Met]GHHPEDNIFK

ClinVar aggregate classification (germline): Uncertain significance (0 of 4 stars; one submission).

Conditions:
SEMA3A-related disorder. Also called: SEMA3A-related condition.

gnomAD v4.1: 3 of 1,613,830 alleles (0.00019%); highest among the groups gnomAD compares: Admixed American, 0.005%; no homozygotes.

Submission:

PreventionGenetics, part of Exact Sciences
Classification: Uncertain significance for SEMA3A-related condition. Last evaluated: 2024-05-31. Review status: no assertion criteria provided. Collection method: clinical testing. Allele origin: germline.
Comment: The SEMA3A c.438T>G variant is predicted to result in the amino acid substitution p.Ile146Met. To our knowledge, this variant has not been reported in the literature. This variant is reported in 0.0087% of alleles in individuals of Latino descent in gnomAD. At this time, the clinical significance of this variant is uncertain due to the absence of conclusive functional and genetic evidence.